The following is an entry in ClinVar:

ClinVar aggregate classification (germline): Uncertain significance. Review status: criteria provided, multiple submitters, no conflicts (2 of 4 stars). 3 submissions from 3 submitters: Uncertain significance (3). Last evaluated 2026-01-26.

Conditions:
DICER1-related tumor predisposition. Also called: DICER1-related pleuropulmonary blastoma cancer predisposition syndrome; DICER1 syndrome. Identifiers: Orphanet 284343, MedGen C3839822, MONDO:0100216.
Hereditary cancer-predisposing syndrome. Also called: Neoplastic Syndromes, Hereditary; Hereditary neoplastic syndrome; Tumor predisposition; Hereditary Cancer Syndrome. Identifiers: Orphanet 140162, MedGen C0027672, MeSH D009386, MONDO:0015356.

Allele frequency attached by ClinVar (database versions not stated): TOPMed below 0.00001; gnomAD 0.00001; gnomAD exomes 0.00001.
gnomAD v4.1: 2 of 1,614,066 alleles (0.00012%); highest among the groups gnomAD compares: Admixed American, 0.0017%; no homozygotes.

Submissions (3):

Labcorp Genetics (formerly Invitae), Labcorp
Classification: Uncertain significance for DICER1-related tumor predisposition. Last evaluated: 2026-01-26. Review status: criteria provided, single submitter. Criteria: Invitae Variant Classification Sherloc (09022015). Collection method: clinical testing. Allele origin: germline.
Comment: This sequence change replaces asparagine, which is neutral and polar, with aspartic acid, which is acidic and polar, at codon 1200 of the DICER1 protein (p.Asn1200Asp). This variant is present in population databases (no rsID available, gnomAD 0.003%). This variant has not been reported in the literature in individuals affected with DICER1-related conditions. ClinVar contains an entry for this variant (Variation ID: 836076). Invitae Evidence Modeling of protein sequence and biophysical properties (such as structural, functional, and spatial information, amino acid conservation, physicochemical variation, residue mobility, and thermodynamic stability) indicates that this missense variant is not expected to disrupt DICER1 protein function with a negative predictive value of 95%. In summary, the available evidence is currently insufficient to determine the role of this variant in disease. Therefore, it has been classified as a Variant of Uncertain Significance.

Ambry Genetics
Classification: Uncertain significance for Hereditary cancer-predisposing syndrome. Last evaluated: 2022-08-23. Review status: criteria provided, single submitter. Criteria: Ambry Variant Classification Scheme 2023. Collection method: clinical testing. Allele origin: germline.
Comment: The p.N1200D variant (also known as c.3598A>G), located in coding exon 20 of the DICER1 gene, results from an A to G substitution at nucleotide position 3598. The asparagine at codon 1200 is replaced by aspartic acid, an amino acid with highly similar properties. This amino acid position is not well conserved in available vertebrate species. In addition, this alteration is predicted to be tolerated by in silico analysis. Since supporting evidence is limited at this time, the clinical significance of this alteration remains unclear.

Sema4
Classification: Uncertain significance for Hereditary cancer-predisposing syndrome. Last evaluated: 2021-04-21. Review status: criteria provided, single submitter. Criteria: Sema4 Curation Guidelines. Collection method: curation. Allele origin: germline.
Comment: The DICER1 c.3598A>G (p.N1200D) variant has not been reported in the literature to our knowledge. It was observed in 2/34588 chromosomes of the Latino subpopulation in the large and broad cohorts of the Genome Aggregation Database (PMID: 32461654) and has been reported in ClinVar (Variation ID 836076). In silico tools suggest the impact of the variant on protein function is benign, though these predictions have not been confirmed by functional studies. The evidence is insufficient to meet ACMG/AMP criteria for classifying the variant as benign or pathogenic. Thus, the clinical significance of this variant is currently uncertain.

NM_177438.3(DICER1):c.3598A>G (p.Asn1200Asp)

Gene: DICER1 (dicer 1, ribonuclease III; minus strand). Cytogenetic location: 14q32.13.
Variant type: single nucleotide variant.
Coding change: c.3598A>G on transcript NM_177438.3 (MANE Select); coding-DNA position 3598, A replaced by G.
Protein change: p.Asn1200Asp; replaces asparagine 1200 with aspartic acid.
Molecular consequence: missense variant.
Genome position (GRCh38, 1-based): chr14:95,103,798, T>C on the plus strand (A>G on the coding strand, the complement: DICER1 is on the minus strand). VCF-style: chr14-95103798-T-C. GRCh37 (hg19) VCF-style: chr14-95570135-T-C.
Other names: c.3598A>G, p.Asn1200Asp (NM_001195573.1, NM_001271282.3, NM_001291628.2 and 1 more transcripts); short protein forms N1200D.
Identifiers: ClinVar variation 836076 (VCV000836076.13), dbSNP rs966682402, ClinGen allele CA265906095.